The following is an entry in ClinVar:

NM_002691.4(POLD1):c.1360C>G (p.Arg454Gly)

Gene: POLD1 (DNA polymerase delta 1, catalytic subunit; plus strand). Cytogenetic location: 19q13.33.
Variant type: single nucleotide variant.
Coding change: c.1360C>G on transcript NM_002691.4 (MANE Select); coding-DNA position 1360, C replaced by G.
Protein change: p.Arg454Gly; replaces arginine 454 with glycine.
Molecular consequence: missense variant. On other transcripts: non-coding transcript variant (1).
Genome position (GRCh38, 1-based): chr19:50,406,299, C>G. VCF-style: chr19-50406299-C-G. GRCh37 (hg19) VCF-style: chr19-50909556-C-G.
Other names: c.1360C>G, p.Arg454Gly (NM_001256849.1, NM_001308632.1); short protein forms R454G.
Identifiers: ClinVar variation 964433 (VCV000964433.9), dbSNP rs906743894, ClinGen allele CA406979948.

ClinVar aggregate classification (germline): Uncertain significance (1 of 4 stars; one submission).

Conditions:
POLD1-related polyposis and colorectal cancer syndrome (CRCS10). Also called: Colorectal cancer 10; COLORECTAL CANCER, SUSCEPTIBILITY TO, ON CHROMOSOME 19q; Colorectal cancer, susceptibility to, 10. Identifiers: Orphanet 220460, MedGen C2675481, MONDO:0012953, OMIM 612591.

Submission:

Labcorp Genetics (formerly Invitae), Labcorp
Classification: Uncertain significance for POLD1-related polyposis and colorectal cancer syndrome. Last evaluated: 2019-11-07. Review status: criteria provided, single submitter. Criteria: Invitae Variant Classification Sherloc (09022015). Collection method: clinical testing. Allele origin: germline.
Comment: In summary, the available evidence is currently insufficient to determine the role of this variant in disease. Therefore, it has been classified as a Variant of Uncertain Significance. Algorithms developed to predict the effect of missense changes on protein structure and function are either unavailable or do not agree on the potential impact of this missense change (SIFT: "Deleterious"; PolyPhen-2: "Benign"; Align-GVGD: "Class C0"). This variant has not been reported in the literature in individuals with POLD1-related conditions. This variant is not present in population databases (ExAC no frequency). This sequence change replaces arginine with glycine at codon 454 of the POLD1 protein (p.Arg454Gly). The arginine residue is highly conserved and there is a moderate physicochemical difference between arginine and glycine.